The following is an entry in ClinVar:

NM_020928.2(ZSWIM6):c.2372G>A (p.Arg791Lys)

Gene: ZSWIM6 (zinc finger SWIM-type containing 6; plus strand). Cytogenetic location: 5q12.1.
Variant type: single nucleotide variant.
Coding change: c.2372G>A on transcript NM_020928.2 (MANE Select); coding-DNA position 2372, G replaced by A.
Protein change: p.Arg791Lys; replaces arginine 791 with lysine.
Molecular consequence: missense variant.
Genome position (GRCh38, 1-based): chr5:61,535,610, G>A. VCF-style: chr5-61535610-G-A. GRCh37 (hg19) VCF-style: chr5-60831437-G-A.
Other names: c.2372G>A (NM_020928.1); short protein forms R791K.
Identifiers: ClinVar variation 1441542 (VCV001441542.31), dbSNP rs896435221, ClinGen allele CA119663435.

ClinVar aggregate classification (germline): Conflicting classifications of pathogenicity. Review status: criteria provided, conflicting classifications (1 of 4 stars). 5 submissions from 5 submitters: Uncertain significance (4); Likely benign (1). Last evaluated 2025-11-19.

Conditions:
Inborn genetic diseases. Identifiers: MedGen C0950123, MeSH D030342.
Acromelic frontonasal dysostosis (AFND). Identifiers: Orphanet 1827, MedGen C1863616, MONDO:0011359, OMIM 603671.
Neurodevelopmental disorder with movement abnormalities, abnormal gait, and autistic features. Identifiers: MedGen C4693405, MONDO:0060642, OMIM 617865.

Allele frequency attached by ClinVar (database versions not stated): gnomAD 0.00001; gnomAD exomes 0.00001; TOPMed 0.00002.
gnomAD v4.1: 4 of 1,551,016 alleles (0.00026%); highest among the groups gnomAD compares: African/African-American, 0.0027%; no homozygotes.

Submissions (5):

Ambry Genetics
Classification: Uncertain significance for Inborn genetic diseases. Last evaluated: 2025-11-19. Review status: criteria provided, single submitter. Criteria: Ambry Variant Classification Scheme 2023. Collection method: clinical testing. Allele origin: germline.

Labcorp Genetics (formerly Invitae), Labcorp
Classification: Likely benign. Last evaluated: 2024-06-10. Review status: criteria provided, single submitter. Criteria: Invitae Variant Classification Sherloc (09022015). Collection method: clinical testing. Allele origin: germline.

Fulgent Genetics
Classification: Uncertain significance for Acromelic frontonasal dysostosis; Neurodevelopmental disorder with movement abnormalities, abnormal gait, and autistic features. Last evaluated: 2024-03-29. Review status: criteria provided, single submitter. Criteria: ACMG Guidelines, 2015. Collection method: clinical testing. Allele origin: germline.

Blueprint Genetics
Classification: Uncertain significance. Last evaluated: 2024-01-10. Review status: criteria provided, single submitter. Criteria: ACMG Guidelines, 2015. Collection method: clinical testing. Allele origin: germline.

CeGaT Center for Human Genetics Tuebingen
Classification: Uncertain significance. Last evaluated: 2022-05-01. Review status: criteria provided, single submitter. Criteria: CeGaT Center For Human Genetics Tuebingen Variant Classification Criteria Version 2. Collection method: clinical testing. Allele origin: germline. Affected: yes. Observed: 1 variant allele.
Comment: ZSWIM6: PP2